The following is an entry in ClinVar:

NM_080680.3(COL11A2):c.*119G>A

Gene: COL11A2 (collagen type XI alpha 2 chain; minus strand). Cytogenetic location: 6p21.32.
Variant type: single nucleotide variant.
Coding change: c.*119G>A on transcript NM_080680.3 (MANE Select); 119 bases downstream of the stop codon, G replaced by A.
Molecular consequence: 3 prime UTR variant.
Genome position (GRCh38, 1-based): chr6:33,163,559, C>T on the plus strand (G>A on the coding strand, the complement: COL11A2 is on the minus strand). VCF-style: chr6-33163559-C-T. GRCh37 (hg19) VCF-style: chr6-33131336-C-T.
Other names: c.*119G>A (NM_080679.3, NM_080681.3).
Identifiers: ClinVar variation 356380 (VCV000356380.6), dbSNP rs183458493, ClinGen allele CA10626487.

ClinVar aggregate classification (germline): Likely benign. Review status: criteria provided, single submitter (1 of 4 stars). 2 submissions from 1 submitter: Likely benign (2). Last evaluated 2018-01-13.

Conditions:
Fibrochondrogenesis 2 (FBCG2). Identifiers: Orphanet 2021, MedGen C3281128, MONDO:0013795, OMIM 614524.
Otospondylomegaepiphyseal dysplasia, autosomal recessive (OSMEDB). Also called: CHONDRODYSTROPHY WITH SENSORINEURAL DEAFNESS; Insley-Astley syndrome. Identifiers: Orphanet 1427, MedGen CN034493, MONDO:0044206, OMIM 215150.

Allele frequency attached by ClinVar (database versions not stated): gnomAD exomes 0.00056; gnomAD 0.00342 and 0.00358; 1000 Genomes Project 0.00359; TOPMed 0.00395; 1000 Genomes Project 30x 0.00437.
gnomAD v4.1: 1,336 of 1,525,812 alleles (0.088%); highest among the groups gnomAD compares: African/African-American, 1.1%; 6 homozygotes.

Submissions (2):

Illumina Laboratory Services, Illumina
Classification: Likely benign for Fibrochondrogenesis 2. Last evaluated: 2018-01-13. Review status: criteria provided, single submitter. Criteria: ICSL Variant Classification Criteria 13 December 2019. Collection method: clinical testing. Allele origin: germline.
Comment: This variant was observed in the ICSL laboratory as part of a predisposition screen in an ostensibly healthy population. It had not been previously curated by ICSL or reported in the Human Gene Mutation Database (HGMD: prior to June 1st, 2018), and was therefore a candidate for classification through an automated scoring system. Utilizing variant allele frequency, disease prevalence and penetrance estimates, and inheritance mode, an automated score was calculated to assess if this variant is too frequent to cause the disease. Based on the score and internal cut-off values, a variant classified as likely benign is not then subjected to further curation. The score for this variant resulted in a classification of likely benign for this disease.

Illumina Laboratory Services, Illumina
Classification: Likely benign for Otospondylomegaepiphyseal dysplasia, autosomal recessive. Last evaluated: 2018-01-13. Review status: criteria provided, single submitter. Criteria: ICSL Variant Classification Criteria 13 December 2019. Collection method: clinical testing. Allele origin: germline.
Comment: the same text as in the submission from Illumina Laboratory Services, Illumina above.